The following is an entry in ClinVar:

ClinVar aggregate classification (germline): Pathogenic (1 of 4 stars; one submission).

Conditions:
Rauch-Steindl syndrome (RAUST). Identifiers: Orphanet 659642, MedGen C5562061, MONDO:0859219, OMIM 619695.

Submission:

Department of Medical and Molecular Genetics, Dongguan Institute of Pediatrics
Classification: Pathogenic for Rauch-Steindl syndrome. Last evaluated: 2026-02-23. Review status: criteria provided, single submitter. Criteria: ACMG/ClinGen CNV Guidelines, 2019. Collection method: clinical testing. Allele origin: de novo. Inheritance: Autosomal dominant inheritance. Affected: yes. Observed: 1 variant allele, 1 heterozygote.
Comment: The variant represents a deletion of exons 6 to 22 in the NSD2 gene. This multi-exon deletion is predicted to result in a loss-of-function (LOF) of the gene product. NSD2 is established as a gene where LOF is a known disease mechanism, meeting PVS1 criteria. Parental testing confirmed that this deletion occurred de novo; however, the proband's phenotype is not highly specific for NSD2-related disorders (PS2_Supporting). This exonic deletion is absent from population databases including gnomAD, 1000 Genomes, and ESP. (PM2_Supporting). In summary, this variant meets the following ACMG/ClinGen CNV criteria: PVS1, PS2_Supporting, PM2_Supporting. Based on the current evidence, it is classified as Pathogenic.

NC_000004.11:g.1932354_1980636del

Gene: NSD2 (nuclear receptor binding SET domain protein 2; plus strand). Cytogenetic location: 4p16.3.
Variant type: Deletion.
Identifiers: ClinVar variation 4796736 (VCV004796736.1).